The following is an entry in ClinVar:

ClinVar aggregate classification (germline): Pathogenic (1 of 4 stars; one submission).

Conditions:
Imerslund-Grasbeck syndrome. Also called: Megaloblastic anemia due to inborn errors of metabolism; PERNICIOUS ANEMIA, JUVENILE, DUE TO SELECTIVE INTESTINAL MALABSORPTION OF VITAMIN B12, WITH PROTEINURIA; ENTEROCYTE COBALAMIN MALABSORPTION; ENTEROCYTE INTRINSIC FACTOR RECEPTOR, DEFECT OF; Imerslund-Gräsbeck syndrome. Identifiers: Orphanet 35858, MedGen C4551825, MONDO:0009853.

Submission:

Labcorp Genetics (formerly Invitae), Labcorp
Classification: Pathogenic for Imerslund-Grasbeck syndrome. Last evaluated: 2023-05-16. Review status: criteria provided, single submitter. Criteria: Invitae Variant Classification Sherloc (09022015). Collection method: clinical testing. Allele origin: germline.
Comment: For these reasons, this variant has been classified as Pathogenic. This variant has not been reported in the literature in individuals affected with AMN-related conditions. This variant is not present in population databases (gnomAD no frequency). This sequence change creates a premature translational stop signal (p.Val25Serfs*174) in the AMN gene. It is expected to result in an absent or disrupted protein product. Loss-of-function variants in AMN are known to be pathogenic (PMID: 12590260, 22929189).

Literature cited by the submitters: PubMed 12590260; PubMed 22929189.

NM_030943.4(AMN):c.73del (p.Val25fs)

Gene: AMN (amnion associated transmembrane protein; plus strand). Cytogenetic location: 14q32.32.
Variant type: Deletion.
Coding change: c.73del on transcript NM_030943.4 (MANE Select); coding-DNA position 73, one base deleted (G; older notation c.73delG).
Protein change: p.Val25fs; shifts the reading frame from valine 25.
Molecular consequence: frameshift variant.
Genome position (GRCh38, 1-based): chr14:102,923,740, G deleted; the last of 3 consecutive G bases (chr14:102,923,738-102,923,740); deleting any one gives the same sequence. VCF-style (leftmost placement, unchanged base first): chr14-102923737-TG-T. GRCh37 (hg19) VCF-style: chr14-103390074-TG-T.
Other names: c.-90delG (NM_001425246.1); short protein forms V25fs.
Identifiers: ClinVar variation 2862251 (VCV002862251.3), dbSNP rs2542685013, ClinGen allele CA2626675421.